The following is an entry in ClinVar:

NM_170606.3(KMT2C):c.1299+15T>G

Gene: KMT2C (lysine methyltransferase 2C; minus strand). Cytogenetic location: 7q36.1.
Variant type: single nucleotide variant.
Coding change: c.1299+15T>G on transcript NM_170606.3 (MANE Select); 15 bases into the intron after coding-DNA position 1299, T replaced by G.
Molecular consequence: intron variant.
Genome position (GRCh38, 1-based): chr7:152,263,001, A>C on the plus strand (T>G on the coding strand, the complement: KMT2C is on the minus strand). VCF-style: chr7-152263001-A-C. GRCh37 (hg19) VCF-style: chr7-151960086-A-C.
Identifiers: ClinVar variation 1647506 (VCV001647506.33), dbSNP rs180949226, ClinGen allele CA4581538.
Genomic context (GRCh38, chr7:152,263,001, plus strand): 5'-ATAGGTATCCGATTTGTCTGGTCTCCATATAAAACATAGAGAGGATTTAAAAAAATAAAT[A>C]AATAAACAACTTACTTTGCATTTCCAGCCATTGGTTGGTACTGATTTCATAACTGGTTGA-3'

ClinVar aggregate classification (germline): Benign/Likely benign. Review status: criteria provided, multiple submitters, no conflicts (2 of 4 stars). 3 submissions from 3 submitters: Benign (1); Likely benign (2). Last evaluated 2025-03-24.

Allele frequency attached by ClinVar (database versions not stated): gnomAD 0.00022 and 0.00030; gnomAD exomes 0.00028 and 0.00073; TOPMed 0.00051; ExAC 0.00083; 1000 Genomes Project 30x 0.00156; 1000 Genomes Project 0.00160.
gnomAD v4.1: 471 of 1,578,050 alleles (0.03%); highest among the groups gnomAD compares: East Asian, 0.85%; 6 homozygotes.

Submissions (3):

Labcorp Genetics (formerly Invitae), Labcorp
Classification: Benign. Last evaluated: 2025-03-24. Review status: criteria provided, single submitter. Criteria: Invitae Variant Classification Sherloc (09022015). Collection method: clinical testing. Allele origin: germline.

Blueprint Genetics
Classification: Likely benign. Last evaluated: 2024-11-08. Review status: criteria provided, single submitter. Criteria: ACMG Guidelines, 2015. Collection method: clinical testing. Allele origin: germline.

CeGaT Center for Human Genetics Tuebingen
Classification: Likely benign. Last evaluated: 2024-11-01. Review status: criteria provided, single submitter. Criteria: CeGaT Center For Human Genetics Tuebingen Variant Classification Criteria Version 2. Collection method: clinical testing. Allele origin: germline. Affected: yes. Observed: 2 variant alleles.
Comment: KMT2C: BS1